The following is an entry in ClinVar:

NM_004818.3(DDX23):c.779A>G (p.Lys260Arg)

Gene: DDX23 (DEAD-box helicase 23; minus strand). Cytogenetic location: 12q13.12.
Variant type: single nucleotide variant.
Coding change: c.779A>G on transcript NM_004818.3 (MANE Select); coding-DNA position 779, A replaced by G.
Protein change: p.Lys260Arg; replaces lysine 260 with arginine.
Molecular consequence: missense variant.
Genome position (GRCh38, 1-based): chr12:48,837,368, T>C on the plus strand (A>G on the coding strand, the complement: DDX23 is on the minus strand). VCF-style: chr12-48837368-T-C. GRCh37 (hg19) VCF-style: chr12-49231151-T-C.
Other names: short protein forms K260R.
Identifiers: ClinVar variation 2576074 (VCV002576074.1), dbSNP rs2498755366, ClinGen allele CA384677701.

ClinVar aggregate classification (germline): Uncertain significance (1 of 4 stars; one submission).

Submission:

Institute for Clinical Genetics, University Hospital TU Dresden, University Hospital TU Dresden
Classification: Uncertain significance. Last evaluated: 2023-03-21. Review status: criteria provided, single submitter. Criteria: ACMG Guidelines, 2015. Collection method: clinical testing. Allele origin: germline.
Comment: PM2_SUP, PP2, BP4